The following is an entry in ClinVar:

NM_024757.5(EHMT1):c.2509G>T (p.Ala837Ser)

Gene: EHMT1 (euchromatic histone lysine methyltransferase 1; plus strand). Cytogenetic location: 9q34.3.
Variant type: single nucleotide variant.
Coding change: c.2509G>T on transcript NM_024757.5 (MANE Select); coding-DNA position 2509, G replaced by T.
Protein change: p.Ala837Ser; replaces alanine 837 with serine.
Molecular consequence: missense variant.
Genome position (GRCh38, 1-based): chr9:137,798,816, G>T. VCF-style: chr9-137798816-G-T. GRCh37 (hg19) VCF-style: chr9-140693268-G-T.
Other names: c.2488G>T, p.Ala830Ser (NM_001354263.2); short protein forms A830S, A837S.
Identifiers: ClinVar variation 1055543 (VCV001055543.9), dbSNP rs398124406, ClinGen allele CA375787935.

ClinVar aggregate classification (germline): Uncertain significance (1 of 4 stars; one submission).

Conditions:
Kleefstra syndrome 1 (KLEFS1). Identifiers: Orphanet 261494, MedGen C0795833, MONDO:0027407, OMIM 610253.

gnomAD v4.1: 1 of 1,613,834 alleles (0.000062%); highest among the groups gnomAD compares: African/African-American, 0.0013%; no homozygotes.

Submission:

Labcorp Genetics (formerly Invitae), Labcorp
Classification: Uncertain significance for Kleefstra syndrome 1. Last evaluated: 2024-01-22. Review status: criteria provided, single submitter. Criteria: Invitae Variant Classification Sherloc (09022015). Collection method: clinical testing. Allele origin: germline.
Comment: This sequence change replaces alanine, which is neutral and non-polar, with serine, which is neutral and polar, at codon 837 of the EHMT1 protein (p.Ala837Ser). This variant is not present in population databases (gnomAD no frequency). This variant has not been reported in the literature in individuals affected with EHMT1-related conditions. ClinVar contains an entry for this variant (Variation ID: 1055543). Advanced modeling of protein sequence and biophysical properties (such as structural, functional, and spatial information, amino acid conservation, physicochemical variation, residue mobility, and thermodynamic stability) performed at Invitae indicates that this missense variant is not expected to disrupt EHMT1 protein function with a negative predictive value of 80%. In summary, the available evidence is currently insufficient to determine the role of this variant in disease. Therefore, it has been classified as a Variant of Uncertain Significance.